The following is an entry in ClinVar:

ClinVar aggregate classification (germline): Conflicting classifications of pathogenicity. Review status: criteria provided, conflicting classifications (1 of 4 stars). 5 submissions from 5 submitters: Uncertain significance (3); Likely benign (1). 1 of the submissions does not count toward it. Last evaluated 2026-01-24.

Conditions:
LAMA2-related disorder. Also called: LAMA2-related disorders; LAMA2-related condition.
LAMA2-related muscular dystrophy (LAMA2-RD). Also called: Laminin alpha 2-related dystrophy. Identifiers: MedGen C5679788, MONDO:0100228.
Congenital muscular dystrophy due to partial LAMA2 deficiency. Identifiers: MedGen C1842898.

Allele frequency attached by ClinVar (database versions not stated): gnomAD exomes 0.00006 and 0.00018; ExAC 0.00020; ESP Exome Variant Server 0.00038; 1000 Genomes Project 30x 0.00047; gnomAD 0.00055 and 0.00060; 1000 Genomes Project 0.00060; TOPMed 0.00064.
gnomAD v4.1: 177 of 1,612,566 alleles (0.011%); highest among the groups gnomAD compares: African/African-American, 0.22%; no homozygotes.

Submissions (5):

Labcorp Genetics (formerly Invitae), Labcorp
Classification: Likely benign for LAMA2-related muscular dystrophy. Last evaluated: 2026-01-24. Review status: criteria provided, single submitter. Criteria: Invitae Variant Classification Sherloc (09022015). Collection method: clinical testing. Allele origin: germline.

Revvity Omics, Revvity
Classification: Uncertain significance. Last evaluated: 2025-05-16. Review status: criteria provided, single submitter. Criteria: ACMG Guidelines, 2015. Collection method: clinical testing. Allele origin: germline.

Eurofins Ntd Llc (ga)
Classification: Uncertain significance. Last evaluated: 2018-05-30. Review status: criteria provided, single submitter. Criteria: EGL ClinVar v180209 classification definitions. Collection method: clinical testing. Allele origin: germline. Observed: 2 variant alleles, 2 heterozygotes.

Illumina Laboratory Services, Illumina
Classification: Uncertain significance for Congenital muscular dystrophy due to partial LAMA2 deficiency. Last evaluated: 2018-01-13. Review status: criteria provided, single submitter. Criteria: ICSL Variant Classification Criteria 13 December 2019. Collection method: clinical testing. Allele origin: germline.

PreventionGenetics, part of Exact Sciences
Classification: Likely benign for LAMA2-related condition. Last evaluated: 2022-06-27. Review status: no assertion criteria provided. Collection method: clinical testing. Allele origin: germline. Not counted in ClinVar's aggregate classification.
Comment: This variant is classified as likely benign based on ACMG/AMP sequence variant interpretation guidelines (Richards et al. 2015 PMID: 25741868, with internal and published modifications).

NM_000426.4(LAMA2):c.6629T>C (p.Val2210Ala)

Gene: LAMA2 (laminin subunit alpha 2; plus strand). Cytogenetic location: 6q22.33.
Variant type: single nucleotide variant.
Coding change: c.6629T>C on transcript NM_000426.4 (MANE Select); coding-DNA position 6629, T replaced by C.
Protein change: p.Val2210Ala; replaces valine 2210 with alanine.
Molecular consequence: missense variant.
Genome position (GRCh38, 1-based): chr6:129,454,210, T>C. VCF-style: chr6-129454210-T-C. GRCh37 (hg19) VCF-style: chr6-129775355-T-C.
Other names: c.6629T>C, p.Val2210Ala (NM_001079823.2); short protein forms V2210A.
Identifiers: ClinVar variation 197558 (VCV000197558.23), dbSNP rs78880369, ClinGen allele CA245792.
Genomic context (GRCh38, chr6:129,454,210, plus strand): 5'-ACTAGATTGACTTTCTGGCTATAGAAATGCGTAAAGGCAAAGTCAGCTTCCTCTGGGATG[T>C]TGGATCTGGAGTTGGACGTGTAGAGTACCCAGATTTGACTATTGATGACTCATATTGGTA-3'
Protein context (NP_000417.3, residues 2200-2220): RKGKVSFLWD[Val2210Ala]GSGVGRVEYP